The following is an entry in ClinVar:

ClinVar aggregate classification (germline): Uncertain significance (1 of 4 stars; one submission).

Submission:

Labcorp Genetics (formerly Invitae), Labcorp
Classification: Uncertain significance. Last evaluated: 2024-10-16. Review status: criteria provided, single submitter. Criteria: Invitae Variant Classification Sherloc (09022015). Collection method: clinical testing. Allele origin: germline.
Comment: This sequence change replaces leucine, which is neutral and non-polar, with proline, which is neutral and non-polar, at codon 547 of the CERKL protein (p.Leu547Pro). This variant is not present in population databases (gnomAD no frequency). This variant has not been reported in the literature in individuals affected with CERKL-related conditions. ClinVar contains an entry for this variant (Variation ID: 1902188). Invitae Evidence Modeling of protein sequence and biophysical properties (such as structural, functional, and spatial information, amino acid conservation, physicochemical variation, residue mobility, and thermodynamic stability) indicates that this missense variant is expected to disrupt CERKL protein function with a positive predictive value of 95%. In summary, the available evidence is currently insufficient to determine the role of this variant in disease. Therefore, it has been classified as a Variant of Uncertain Significance.

NM_201548.5(CERKL):c.1562T>C (p.Leu521Pro)

Genes: CERKL (CERK like autophagy regulator; minus strand), ITGA4 (integrin subunit alpha 4; plus strand). Cytogenetic location: 2q31.3.
Variant type: single nucleotide variant.
Coding change: c.1562T>C on transcript NM_201548.5 (MANE Select); coding-DNA position 1562, T replaced by C.
Protein change: p.Leu521Pro; replaces leucine 521 with proline.
Molecular consequence: missense variant. On other transcripts: 3 prime UTR variant (1), non-coding transcript variant (2).
Genome position (GRCh38, 1-based): chr2:181,538,221, A>G on the plus strand (T>C on the coding strand, the complement: CERKL is on the minus strand). VCF-style: chr2-181538221-A-G. GRCh37 (hg19) VCF-style: chr2-182402948-A-G.
Other names: c.*2694A>G (NM_000885.6); c.1640T>C, p.Leu547Pro (NM_001030311.3); c.1223T>C, p.Leu408Pro (NM_001030312.3); c.1355T>C, p.Leu452Pro (NM_001030313.3); c.1508T>C, p.Leu503Pro (NM_001160277.2); short protein forms L503P, L547P, L452P, L408P, L521P.
Identifiers: ClinVar variation 1902188 (VCV001902188.5), dbSNP rs2468264171, ClinGen allele CA349732699.